The following is an entry in ClinVar:

NM_000180.4(GUCY2D):c.2497G>A (p.Asp833Asn)

Gene: GUCY2D (guanylate cyclase 2D, retinal; plus strand). Cytogenetic location: 17p13.1.
Variant type: single nucleotide variant.
Coding change: c.2497G>A on transcript NM_000180.4 (MANE Select); coding-DNA position 2497, G replaced by A.
Protein change: p.Asp833Asn; replaces aspartic acid 833 with asparagine.
Molecular consequence: missense variant.
Genome position (GRCh38, 1-based): chr17:8,014,685, G>A. VCF-style: chr17-8014685-G-A. GRCh37 (hg19) VCF-style: chr17-7918003-G-A.
Other names: short protein forms D833N.
Identifiers: ClinVar variation 4793305 (VCV004793305.1).
Genomic context (GRCh38, chr17:8,014,685, plus strand): 5'-AAGACGAACATCATTGACTCGATGCTTCGGATGCTGGAGCAGTACTCTAGTAACCTGGAG[G>A]ATCTGATCCGGGAGCGCACGGAGGAGCTGGAGCTGGAAAAGCAGAAGACAGACCGGCTGC-3'
Protein context (NP_000171.1, residues 823-843): MLEQYSSNLE[Asp833Asn]LIRERTEELE

ClinVar aggregate classification (germline): Uncertain significance (1 of 4 stars; one submission).

Conditions:
Leber congenital amaurosis 1 (LCA1). Also called: RETINAL BLINDNESS, CONGENITAL; Congenital absence of the rods and cones; Leber's congenital tapetoretinal degeneration; Leber's congenital tapetoretinal dysplasia; AMAUROSIS CONGENITA OF LEBER I. Identifiers: Orphanet 65, MedGen C2931258, MONDO:0008764, OMIM 204000.
Cone-rod dystrophy 6 (CORD6). Also called: RETINAL CONE DYSTROPHY 2; Cone dystrophy progressive. Identifiers: Orphanet 1872, MedGen C1866293, MONDO:0011143, OMIM 601777.

gnomAD v4.1: 1 of 1,612,476 alleles (0.000062%); highest among the groups gnomAD compares: South Asian, 0.0011%; no homozygotes.

Submission:

Labcorp Genetics (formerly Invitae), Labcorp
Classification: Uncertain significance for Leber congenital amaurosis 1; Cone-rod dystrophy 6. Last evaluated: 2025-03-07. Review status: criteria provided, single submitter. Criteria: Invitae Variant Classification Sherloc (09022015). Collection method: clinical testing. Allele origin: germline.
Comment: This sequence change replaces aspartic acid, which is acidic and polar, with asparagine, which is neutral and polar, at codon 833 of the GUCY2D protein (p.Asp833Asn). This variant is not present in population databases (gnomAD no frequency). This variant has not been reported in the literature in individuals affected with GUCY2D-related conditions. Invitae Evidence Modeling of protein sequence and biophysical properties (such as structural, functional, and spatial information, amino acid conservation, physicochemical variation, residue mobility, and thermodynamic stability) indicates that this missense variant is not expected to disrupt GUCY2D protein function with a negative predictive value of 80%. In summary, the available evidence is currently insufficient to determine the role of this variant in disease. Therefore, it has been classified as a Variant of Uncertain Significance.